The following is an entry in ClinVar:

NM_000518.5(HBB):c.316-146T>G

Genes: HBB (hemoglobin subunit beta; minus strand), LOC107133510 (origin of replication at HBB; plus strand), LOC110006319 (beta-globin gene 3' regulatory region; plus strand). Cytogenetic location: 11p15.4.
Variant type: single nucleotide variant.
Coding change: c.316-146T>G on transcript NM_000518.5 (MANE Select); 146 bases into the intron before coding-DNA position 316, T replaced by G.
Molecular consequence: intron variant.
Genome position (GRCh38, 1-based): chr11:5,225,872, A>C on the plus strand (T>G on the coding strand, the complement: HBB is on the minus strand). VCF-style: chr11-5225872-A-C. GRCh37 (hg19) VCF-style: chr11-5247102-A-C.
Other names: IVS II-705 (T>G); IVS2, T-G, +705.
Identifiers: ClinVar variation 36312 (VCV000036312.19), dbSNP rs35328027, ClinGen allele CA213888.

ClinVar aggregate classification (germline): Pathogenic. Review status: reviewed by expert panel (3 of 4 stars). 7 submissions from 7 submitters: Pathogenic (1). 6 of the submissions do not count toward it. Last evaluated 2026-04-30.

Conditions:
Beta-thalassemia HBB/LCRB. Identifiers: MedGen CN322236, MONDO:0013517, OMIM 613985.
beta Thalassemia (BTHAL). Also called: Cooley's anemia; Erythroblastic anemia; Mediterranean anemia. Identifiers: Orphanet 848, MedGen C0005283, MONDO:0019402. Disease mechanism: loss of function.
BETA-PLUS-THALASSEMIA. Identifiers: MedGen C3841475.

Allele frequency attached by ClinVar (database versions not stated): gnomAD exomes below 0.00001.
gnomAD v4.1: 1 of 748,840 alleles (0.00013%); highest among the groups gnomAD compares: Non-Finnish European, 0.00023%; no homozygotes.

Submissions (7):

ClinGen Hemoglobinopathy Variant Curation Expert Panel, ClinGen
Classification: Pathogenic for Beta-thalassemia HBB/LCRB. Last evaluated: 2026-04-30. Review status: reviewed by expert panel. Criteria: ClinGen Hb Opathy ACMG Specifications HBB V1.0.0. Collection method: curation. Allele origin: germline. Inheritance: Autosomal recessive inheritance.
Comment: This variant (NM_000518.5(HBB):c.316-146T>G, p.(?)) is located in the intron 2 of HBB. It has been reported in 2 unrelated individuals displaying a hematological phenotype consistent with beta thalassemia trait (low MCV and MCH with high HbA2), giving a score of 3 [PS4_M; PMID: 29251008; 30843739]. It has been reported in 2 compound heterozygotes for this variant and another pathogenic variant (β0 IVS I-1 G>A), presenting with a β-thalassaemia intermedia phenotype. Total score is 2 [PM3_S; PMID: 30843739]. It was found to segregate with β-thalassaemia intermedia in 2 members of the same family. The total number of unaffected segregations is 1, giving a total score of 1.33 [PP1; PMID: 30843739]. The computational splicing predictor SpliceAI gives a Δ score of 0.9 for donor gain, which is above threshold >0.3, predicting that the variant may affect splicing by introducing a cryptic splice site within intron 2 of HBB [PP3], while in vitro splicing assays showed abnormal splice patterns further indicating a damaging impact on HBB function [PS3_P; PMID: 9560205; 6280138; 6298782]. The minor allele frequency in gnomAD v4.1 is 0.000001335 (1/748840 alleles), which is lower than the ClinGen Hemoglobinopathy VCEP threshold <0.0001 for PM2_Supporting, and therefore meets this criterion [PM2_P]. In summary, this variant meets the criteria to be classified as pathogenic for beta-thalassemia HBB/LCRB (MONDO:0013517) in an autosomal recessive manner based on the ACMG/AMP criteria applied, as specified by the ClinGen Hemoglobinopathy VCEP (specification version 1.0.0): PM3_S, PS4_M, PP1, PP3, PS3_P, PM2_P.

ARUP Laboratories, Molecular Genetics and Genomics, ARUP Laboratories
Classification: Pathogenic. Last evaluated: 2024-09-16. Review status: criteria provided, single submitter. Criteria: ARUP Molecular Germline Variant Investigation Process 2024. Collection method: clinical testing. Allele origin: germline. Not counted in ClinVar's aggregate classification.
Comment: The HBB c.316-146T>G variant (also known as IVS-II-705 (T->G), rs35328027, HbVar ID: 890) has been reported in a patient diagnosed with beta(+) thalassemia (Spence 1982). This variant is reported in ClinVar (Variation ID: 36312) and is absent from the Genome Aggregation Database, indicating it is not a common polymorphism. This is an intronic variant in a moderately conserved nucleotide, and computational analyses (Alamut v.2.11) predict that this variant may impact splicing by creating a novel cryptic donor splice site. Functional characterization of the mRNA transcript indicate that the variant causes the utilization of a cryptic splice acceptor 126 nucleotides upstream, leading to the inclusion of sequences from intron 2 of HBB (Dobkin 1983). Based on the above information, the variant is classified as pathogenic. References: HbVar link: Dobkin C et al. Abnormal splice in a mutant human beta-globin gene not at the site of a mutation. Proc Natl Acad Sci U S A. 1983. 80(5):1184-8. PMID: 6298782. Spence S et al. Five nucleotide changes in the large intervening sequence of a beta globin gene in a beta+ thalassemia patient. Nucleic Acids Res. 1982. 10(4):1283-94. PMID: 6280138.

Natera, Inc.
Classification: Likely pathogenic for Beta thalassemia. Last evaluated: 2024-08-28. Review status: criteria provided, single submitter. Criteria: Natera Variant Classification Schema (03/2026). Collection method: clinical testing. Allele origin: germline. Not counted in ClinVar's aggregate classification.
Comment: The c.316-146T>G variant in HBB is an intronic variant located outside the canonical splice sites. This variant is rare in the general population with a frequency below the threshold expected for the associated phenotype(s). This variant has been observed in one or more individuals affected with the associated recessive disease, as either homozygous or compound heterozygous with a second variant (PMID: 30843739). Additionally, this variant has been observed to segregate in affected family members (PMID: 30843739). Functional studies show that this variant may disrupt protein function (PMID: 6298782, 9560205). Given the available evidence, this variant is classified as Likely Pathogenic.

Quest Diagnostics Nichols Institute San Juan Capistrano
Classification: Pathogenic. Last evaluated: 2023-08-29. Review status: criteria provided, single submitter. Criteria: Quest Diagnostics criteria. Collection method: clinical testing. Allele origin: unknown. Not counted in ClinVar's aggregate classification.
Comment: The HBB c.316-146T>G variant has been reported in the published literature in individuals with beta-thalassemia trait (PMID: 29251008 (2018)) and in trans with another pathogenic HBB variant in an individual with beta(+) thalassemia (PMID: 30843739 (2019)). This variant has not been reported in large, multi-ethnic general populations (Genome Aggregation Database). Based on the available information, this variant is classified as pathogenic.

Women's Health and Genetics/Laboratory Corporation of America, LabCorp
Classification: Pathogenic for beta Thalassemia. Last evaluated: 2018-02-12. Review status: criteria provided, single submitter. Criteria: LabCorp Variant Classification Summary - May 2015. Collection method: clinical testing. Allele origin: germline. Not counted in ClinVar's aggregate classification.
Comment: Variant summary: HBB c.316-146T>G (Legacy Name: IVS-II-705 (T->G)) is located at a position not widely known to affect splicing. However, several computational tools predict a significant impact on normal splicing: Three predict the variant strengthens a cryptic 5' donor site and one predicts the variant creates a 3' acceptor site. Gorman_1998 states "In the thalassemic IVS2705 human b-globin gene, a T-to-G mutation at position 705 of intron 2 improves the match of the surrounding sequence to the consensus donor splice site (ACTGAT/GTAAGA to ACTGAG/GTAAGA; / indicates the splice site). In the transcribed IVS2705 pre-mRNA, the presence of this new 5' splice site activates an acceptor splice site 126 nt upstream, resulting in incorrectly spliced b-globin mRNA containing a fragment of the intron (Fig. 1A). This fragment creates a premature stop codon resulting in a truncated b-globin polypeptide." Multiple functional studies support these predictions (Dobkin_1983, Spenc_1982, and Gorman_1998). The variant was absent in 30972 control chromosomes (gnomAD). The variant, c.316-146T>G, has been reported in the literature in individuals affected with Beta Thalassemia Intermedia. These data indicate that the variant may be associated with disease. A ClinVar submission (evaluation after 2014) from a clinical diagnostic laboratory classifies the variant as "pathogenic." Based on the evidence outlined above, the variant was classified as pathogenic.

The ITHANET community portal, The Cyprus Institute of Neurology and Genetics
Classification: Pathogenic for beta Thalassemia. Last evaluated: 2019-11-25. Review status: no assertion criteria provided. Collection method: curation. Allele origin: germline. Not counted in ClinVar's aggregate classification.

OMIM
Classification: Pathogenic for BETA-PLUS-THALASSEMIA. Last evaluated: 1983-03-01. Review status: no assertion criteria provided. Collection method: literature only. Allele origin: germline. Not counted in ClinVar's aggregate classification.

Literature cited by the submitters: PubMed 30843739 (cited by Natera, Inc. and Quest Diagnostics Nichols Institute San Juan Capistrano); PubMed 6298782 (cited by 5 submitters); PubMed 9560205 (cited by 3 submitters); PubMed 6280138 (cited by Quest Diagnostics Nichols Institute San Juan Capistrano and Women's Health and Genetics/Laboratory Corporation of America, LabCorp); PubMed 20704537 (cited by Quest Diagnostics Nichols Institute San Juan Capistrano and Women's Health and Genetics/Laboratory Corporation of America, LabCorp); PubMed 22975760 (cited by Quest Diagnostics Nichols Institute San Juan Capistrano); PubMed 29251008 (cited by Quest Diagnostics Nichols Institute San Juan Capistrano); PubMed 24401016 (cited by Quest Diagnostics Nichols Institute San Juan Capistrano); PubMed 27535164 (cited by Quest Diagnostics Nichols Institute San Juan Capistrano); PubMed 27258795 (cited by Quest Diagnostics Nichols Institute San Juan Capistrano); PubMed 20395516 (cited by Quest Diagnostics Nichols Institute San Juan Capistrano and Women's Health and Genetics/Laboratory Corporation of America, LabCorp); PubMed 22122796 (cited by Women's Health and Genetics/Laboratory Corporation of America, LabCorp); PubMed 2897787 (cited by Women's Health and Genetics/Laboratory Corporation of America, LabCorp).